The following is an entry in ClinVar:

NM_001330078.2(NRXN1):c.3716C>A (p.Ala1239Glu)

Gene: NRXN1 (neurexin 1; minus strand). Cytogenetic location: 2p16.3.
Variant type: single nucleotide variant.
Coding change: c.3716C>A on transcript NM_001330078.2 (MANE Select); coding-DNA position 3716, C replaced by A.
Protein change: p.Ala1239Glu; replaces alanine 1239 with glutamic acid.
Molecular consequence: missense variant.
Genome position (GRCh38, 1-based): chr2:50,091,325, G>T on the plus strand (C>A on the coding strand, the complement: NRXN1 is on the minus strand). VCF-style: chr2-50091325-G-T. GRCh37 (hg19) VCF-style: chr2-50318463-G-T.
Other names: c.3605C>A, p.Ala1202Glu (NM_001330087.2, NM_001330096.2); c.3635C>A, p.Ala1212Glu (NM_001330088.2); c.611C>A, p.Ala204Glu (NM_001330091.2, NM_001330092.2, NM_001330097.2 and 1 more transcripts); c.3713C>A, p.Ala1238Glu (NM_001330093.2); c.3704C>A, p.Ala1235Glu (NM_001330094.2); c.3665C>A, p.Ala1222Glu (NM_001330095.2); c.3716C>A, p.Ala1239Glu (NM_004801.6, NM_001330086.2); c.3836C>A, p.Ala1279Glu (NM_001135659.3); and 3 more; short protein forms A1202E, A1212E, A1217E, A1222E, A1230E, A1231E, A1235E, A1238E.
Identifiers: ClinVar variation 1320500 (VCV001320500.7), dbSNP rs2152697115, ClinGen allele CA346818940.
Genomic context (GRCh38, chr2:50,091,325, plus strand): 5'-TTTTTCTTCCAGTTTGTTTTTCATAAAATCTTCCCCCGATACATATTCACTTGCTTACCT[G>T]CAGGGTAGCGCTCGATCACTGGCCAGCTGTCCACCTGCAACGTGGCATTGCCACCACTCC-3'
Protein context (NP_001317007.1, residues 1229-1249): DSWPVIERYP[Ala1239Glu]GNNDNERLAI

ClinVar aggregate classification (germline): Uncertain significance. Review status: criteria provided, multiple submitters, no conflicts (2 of 4 stars). 2 submissions from 2 submitters: Uncertain significance (2). Last evaluated 2023-11-27.

Conditions:
Pitt-Hopkins-like syndrome 2 (PTHSL2). Identifiers: Orphanet 221150, Orphanet 600663, MedGen C3280479, MONDO:0013690, OMIM 614325.

gnomAD v4.1: 1 of 1,614,088 alleles (0.000062%); highest among the groups gnomAD compares: Non-Finnish European, 0.000085%; no homozygotes.

Submissions (2):

Labcorp Genetics (formerly Invitae), Labcorp
Classification: Uncertain significance for Pitt-Hopkins-like syndrome 2. Last evaluated: 2023-11-27. Review status: criteria provided, single submitter. Criteria: Invitae Variant Classification Sherloc (09022015). Collection method: clinical testing. Allele origin: germline.
Comment: This sequence change replaces alanine, which is neutral and non-polar, with glutamic acid, which is acidic and polar, at codon 1279 of the NRXN1 protein (p.Ala1279Glu). This variant is not present in population databases (gnomAD no frequency). This variant has not been reported in the literature in individuals affected with NRXN1-related conditions. ClinVar contains an entry for this variant (Variation ID: 1320500). An algorithm developed to predict the effect of missense changes on protein structure and function (PolyPhen-2) suggests that this variant is likely to be disruptive. In summary, the available evidence is currently insufficient to determine the role of this variant in disease. Therefore, it has been classified as a Variant of Uncertain Significance.

GeneDx
Classification: Uncertain significance. Last evaluated: 2020-02-28. Review status: criteria provided, single submitter. Criteria: GeneDx Variant Classification Process June 2021. Collection method: clinical testing. Allele origin: germline. Affected: yes.
Comment: Not observed in large population cohorts (Lek et al., 2016); In silico analysis supports that this missense variant does not alter protein structure/function; Has not been previously published as pathogenic or benign to our knowledge